The following is an entry in ClinVar:

NM_016151.4(TAOK2):c.1592A>G (p.Gln531Arg)

Gene: TAOK2 (TAO kinase 2; plus strand). Cytogenetic location: 16p11.2.
Variant type: single nucleotide variant.
Coding change: c.1592A>G on transcript NM_016151.4 (MANE Select); coding-DNA position 1592, A replaced by G.
Protein change: p.Gln531Arg; replaces glutamine 531 with arginine.
Molecular consequence: missense variant.
Genome position (GRCh38, 1-based): chr16:29,985,382, A>G. VCF-style: chr16-29985382-A-G. GRCh37 (hg19) VCF-style: chr16-29996703-A-G.
Other names: c.1592A>G, p.Gln531Arg (NM_001252043.2, NM_004783.4); short protein forms Q531R.
Identifiers: ClinVar variation 1505788 (VCV001505788.8), dbSNP rs1474933883, ClinGen allele CA395485642.
Genomic context (GRCh38, chr16:29,985,382, plus strand): 5'-CACGGCTGAGGGGTGAACGGGAGGAGCACAGTGCACGGCTGCAGCGGGAGCTTGAGGCGC[A>G]GCGGGCTGGCTTTGGGGCAGAGGCAGAAAAGCTGGCCCGGCGGCACCAGGCCATAGGTGA-3'
Protein context (NP_057235.2, residues 521-541): SARLQRELEA[Gln531Arg]RAGFGAEAEK

ClinVar aggregate classification (germline): Uncertain significance (1 of 4 stars; one submission).

Allele frequency attached by ClinVar (database versions not stated): gnomAD exomes below 0.00001.
gnomAD v4.1: 1 of 1,610,106 alleles (0.000062%); highest among the groups gnomAD compares: Non-Finnish European, 0.000085%; no homozygotes.

Submission:

Labcorp Genetics (formerly Invitae), Labcorp
Classification: Uncertain significance. Last evaluated: 2024-10-25. Review status: criteria provided, single submitter. Criteria: Invitae Variant Classification Sherloc (09022015). Collection method: clinical testing. Allele origin: germline.
Comment: This sequence change replaces glutamine, which is neutral and polar, with arginine, which is basic and polar, at codon 531 of the TAOK2 protein (p.Gln531Arg). This variant is present in population databases (no rsID available, gnomAD 0.01%). This variant has not been reported in the literature in individuals affected with TAOK2-related conditions. ClinVar contains an entry for this variant (Variation ID: 1505788). An algorithm developed to predict the effect of missense changes on protein structure and function (PolyPhen-2) suggests that this variant is likely to be tolerated. In summary, the available evidence is currently insufficient to determine the role of this variant in disease. Therefore, it has been classified as a Variant of Uncertain Significance.